The following is an entry in ClinVar:

NM_022455.5(NSD1):c.2340G>A (p.Ser780=)

Gene: NSD1 (nuclear receptor binding SET domain protein 1; plus strand). Cytogenetic location: 5q35.3.
Variant type: single nucleotide variant.
Coding change: c.2340G>A on transcript NM_022455.5 (MANE Select); coding-DNA position 2340, G replaced by A.
Protein change: p.Ser780=; no amino-acid change (serine 780 retained).
Molecular consequence: synonymous variant.
Genome position (GRCh38, 1-based): chr5:177,210,739, G>A. VCF-style: chr5-177210739-G-A. GRCh37 (hg19) VCF-style: chr5-176637740-G-A.
Other names: c.1467G>A, p.Ser489= (NM_001365684.2, NM_001409306.1, NM_001409307.1 and 3 more transcripts); c.2340G>A, p.Ser780= (NM_001409301.1, NM_001409302.1, NM_001409303.1); c.1920G>A, p.Ser640= (NM_001409304.1); c.1587G>A, p.Ser529= (NM_001409305.1).
Identifiers: ClinVar variation 241433 (VCV000241433.11), dbSNP rs766703389, ClinGen allele CA3577247.

ClinVar aggregate classification (germline): Likely benign. Review status: criteria provided, single submitter (1 of 4 stars). 2 submissions from 2 submitters: Likely benign (1). 1 of the submissions does not count toward it. Last evaluated 2025-11-03.

Conditions:
NSD1-related disorder. Also called: NSD1-related condition.

Allele frequency attached by ClinVar (database versions not stated): gnomAD 0.00001; gnomAD exomes 0.00004 and 0.00009; TOPMed 0.00005; ExAC 0.00010.
gnomAD v4.1: 68 of 1,614,000 alleles (0.0042%); highest among the groups gnomAD compares: South Asian, 0.016%; no homozygotes.

Submissions (2):

Labcorp Genetics (formerly Invitae), Labcorp
Classification: Likely benign. Last evaluated: 2025-11-03. Review status: criteria provided, single submitter. Criteria: Invitae Variant Classification Sherloc (09022015). Collection method: clinical testing. Allele origin: germline.

PreventionGenetics, part of Exact Sciences
Classification: Likely benign for NSD1-related condition. Last evaluated: 2019-08-12. Review status: no assertion criteria provided. Collection method: clinical testing. Allele origin: germline. Not counted in ClinVar's aggregate classification.
Comment: This variant is classified as likely benign based on ACMG/AMP sequence variant interpretation guidelines (Richards et al. 2015 PMID: 25741868, with internal and published modifications).